The following is an entry in ClinVar:

ClinVar aggregate classification (germline): Uncertain significance. Review status: criteria provided, multiple submitters, no conflicts (2 of 4 stars). 2 submissions from 2 submitters: Uncertain significance (2). Last evaluated 2025-05-18.

Conditions:
Neurodevelopmental disorder with language delay and seizures (NEDLDS). Identifiers: MedGen C5676998, MONDO:0859256, OMIM 619908.

gnomAD v4.1: 37 of 1,613,834 alleles (0.0023%); highest among the groups gnomAD compares: African/African-American, 0.027%; no homozygotes.

Submissions (2):

Ambry Genetics
Classification: Uncertain significance. Last evaluated: 2025-05-18. Review status: criteria provided, single submitter. Criteria: Ambry Variant Classification Scheme 2023. Collection method: clinical testing. Allele origin: germline.

Pittsburgh Clinical Genomics Laboratory, University of Pittsburgh Medical Center
Classification: Uncertain significance for Neurodevelopmental disorder with language delay and seizures. Last evaluated: 2023-09-01. Review status: criteria provided, single submitter. Criteria: ACMG Guidelines, 2015. Collection method: clinical testing. Allele origin: germline. Inheritance: Autosomal recessive inheritance. Affected: yes.
Comment: This sequence variant is a single nucleotide substitution (G>A) at position 4063 of the coding sequence of the TIAM1 gene that results in a valine to methionine amino acid change at residue 1355 of the TIAM Rac1 associated GEF 1 protein. This residue falls in the second of two Pleckstrin-homology 2 domains (Uniprot). This variant is absent from ClinVar. This variant is present in 14 of 282830 alleles (0.0049%) in the gnomAD population dataset. Bioinformatic tools are inconclusive if this amino acid change will be damaging or tolerated, and the Val1355 residue at this position is highly conserved across the vertebrate species examined. Studies examining the functiol consequence of this variant have not been published, to our knowledge. At this time, there is insufficient evidence to determine if this variant is pathogenic or benign. Therefore, we consider this a variant of uncertain significance. ACMG Criteria: PM2

NM_001353694.2(TIAM1):c.4063G>A (p.Val1355Met)

Gene: TIAM1 (TIAM Rac1 associated GEF 1; minus strand). Cytogenetic location: 21q22.11.
Variant type: single nucleotide variant.
Coding change: c.4063G>A on transcript NM_001353694.2 (MANE Select); coding-DNA position 4063, G replaced by A.
Protein change: p.Val1355Met; replaces valine 1355 with methionine.
Molecular consequence: missense variant.
Genome position (GRCh38, 1-based): chr21:31,127,135, C>T on the plus strand (G>A on the coding strand, the complement: TIAM1 is on the minus strand). VCF-style: chr21-31127135-C-T. GRCh37 (hg19) VCF-style: chr21-32499453-C-T.
Other names: c.1162G>A, p.Val388Met (NM_001353684.2); c.1087G>A, p.Val363Met (NM_001353685.2); c.3988G>A, p.Val1330Met (NM_001353686.2, NM_001353687.2); c.4063G>A, p.Val1355Met (NM_001353688.1, NM_001353689.1, NM_001353690.1 and 4 more transcripts); c.4063G>A (NM_003253.2); short protein forms V1330M, V1355M, V363M, V388M.
Identifiers: ClinVar variation 3376252 (VCV003376252.2).